The following is an entry in ClinVar:

ClinVar aggregate classification (germline): Uncertain significance. Review status: criteria provided, multiple submitters, no conflicts (2 of 4 stars). 2 submissions from 2 submitters: Uncertain significance (2). Last evaluated 2024-04-10.

Conditions:
Familial cancer of breast. Also called: BREAST CANCER, FAMILIAL; hereditary breast carcinoma; Hereditary breast cancer. Identifiers: Orphanet 227535, MedGen C0346153, MONDO:0016419, OMIM 114480. Disease mechanism: loss of function.
Fanconi anemia complementation group J. Also called: BRIP1-Related Fanconi Anemia. Identifiers: Orphanet 84, MedGen C1836860, MONDO:0012187, OMIM 609054.

gnomAD v4.1: 2 of 1,606,078 alleles (0.00012%); highest among the groups gnomAD compares: South Asian, 0.0022%; no homozygotes.

Submissions (2):

Department of Pathology and Laboratory Medicine, Sinai Health System
Classification: Uncertain significance for Familial cancer of breast. Last evaluated: 2024-04-10. Review status: criteria provided, single submitter. Criteria: ACMG Guidelines, 2015. Collection method: clinical testing. Allele origin: germline. Affected: yes.

Labcorp Genetics (formerly Invitae), Labcorp
Classification: Uncertain significance for Familial cancer of breast; Fanconi anemia complementation group J. Last evaluated: 2022-08-16. Review status: criteria provided, single submitter. Criteria: Invitae Variant Classification Sherloc (09022015). Collection method: clinical testing. Allele origin: germline.
Comment: This sequence change replaces asparagine, which is neutral and polar, with histidine, which is basic and polar, at codon 30 of the BRIP1 protein (p.Asn30His). This variant is not present in population databases (gnomAD no frequency). This variant has not been reported in the literature in individuals affected with BRIP1-related conditions. Algorithms developed to predict the effect of missense changes on protein structure and function are either unavailable or do not agree on the potential impact of this missense change (SIFT: "Tolerated"; PolyPhen-2: "Probably Damaging"; Align-GVGD: "Class C0"). In summary, the available evidence is currently insufficient to determine the role of this variant in disease. Therefore, it has been classified as a Variant of Uncertain Significance.

NM_032043.3(BRIP1):c.88A>C (p.Asn30His)

Gene: BRIP1 (BRCA1 interacting DNA helicase 1; minus strand). Cytogenetic location: 17q23.2.
Variant type: single nucleotide variant.
Coding change: c.88A>C on transcript NM_032043.3 (MANE Select); coding-DNA position 88, A replaced by C.
Protein change: p.Asn30His; replaces asparagine 30 with histidine.
Molecular consequence: missense variant.
Genome position (GRCh38, 1-based): chr17:61,861,452, T>G on the plus strand (A>C on the coding strand, the complement: BRIP1 is on the minus strand). VCF-style: chr17-61861452-T-G. GRCh37 (hg19) VCF-style: chr17-59938813-T-G.
Other names: short protein forms N30H.
Identifiers: ClinVar variation 1986128 (VCV001986128.5), dbSNP rs747867580, ClinGen allele CA400485906.